The following is an entry in ClinVar:

ClinVar aggregate classification (germline): Uncertain significance (1 of 4 stars; one submission).

Conditions:
Fanconi anemia (FA). Also called: Fanconi's anemia. Identifiers: Orphanet 84, MedGen C0015625, MeSH D005199, MONDO:0019391.

Allele frequency attached by ClinVar (database versions not stated): TOPMed 0.00003; gnomAD exomes below 0.00001; gnomAD 0.00001.
gnomAD v4.1: 3 of 1,597,428 alleles (0.00019%); highest among the groups gnomAD compares: Admixed American, 0.0034%; no homozygotes.

Submission:

Labcorp Genetics (formerly Invitae), Labcorp
Classification: Uncertain significance for Fanconi anemia. Last evaluated: 2021-08-30. Review status: criteria provided, single submitter. Criteria: Invitae Variant Classification Sherloc (09022015). Collection method: clinical testing. Allele origin: germline.
Comment: This sequence change replaces glutamine with lysine at codon 1259 of the FANCD2 protein (p.Gln1259Lys). The glutamine residue is moderately conserved and there is a small physicochemical difference between glutamine and lysine. This variant is not present in population databases (ExAC no frequency). This variant has not been reported in the literature in individuals affected with FANCD2-related conditions. Algorithms developed to predict the effect of missense changes on protein structure and function output the following: SIFT: "Tolerated"; PolyPhen-2: "Benign"; Align-GVGD: "Class C0". The lysine amino acid residue is found in multiple mammalian species, which suggests that this missense change does not adversely affect protein function. In summary, the available evidence is currently insufficient to determine the role of this variant in disease. Therefore, it has been classified as a Variant of Uncertain Significance.

NM_001018115.3(FANCD2):c.3775C>A (p.Gln1259Lys)

Genes: FANCD2 (FA complementation group D2; plus strand), FANCD2OS (FANCD2 opposite strand; minus strand). Cytogenetic location: 3p25.3.
Variant type: single nucleotide variant.
Coding change: c.3775C>A on transcript NM_001018115.3 (MANE Select); coding-DNA position 3775, C replaced by A.
Protein change: p.Gln1259Lys; replaces glutamine 1259 with lysine.
Molecular consequence: missense variant. On other transcripts: intron variant (1).
Genome position (GRCh38, 1-based): chr3:10,090,383, C>A. VCF-style: chr3-10090383-C-A. GRCh37 (hg19) VCF-style: chr3-10132067-C-A.
Other names: c.3775C>A, p.Gln1259Lys (NM_001319984.2, NM_001374254.1, NM_033084.6); c.3664C>A, p.Gln1222Lys (NM_001374253.1); c.*44-8852G>T (NM_173472.2); short protein forms Q1222K, Q1259K.
Identifiers: ClinVar variation 1005541 (VCV001005541.7), dbSNP rs1407465957, ClinGen allele CA351755487.
Genomic context (GRCh38, chr3:10,090,383, plus strand): 5'-ATGGCTGAACTAGAGAAGACGGTGAAAAAAATTGAGCCTGGCACAGCAGCAGACTCGCAG[C>A]AGGTGAGTAAGATAATAGTCACTTCAAGAAGTGGACTTTGGATTACTTGGAAGTTGCTGA-3'
Protein context (NP_001018125.1, residues 1249-1269): IEPGTAADSQ[Gln1259Lys]IHEEKLLYWN